The following is an entry in ClinVar:

NM_019098.5(CNGB3):c.2179_2182del (p.Gln727fs)

Gene: CNGB3 (cyclic nucleotide gated channel subunit beta 3; minus strand). Cytogenetic location: 8q21.3.
Variant type: Deletion.
Coding change: c.2179_2182del on transcript NM_019098.5 (MANE Select); coding-DNA positions 2179 to 2182, 4 bases deleted (CAAA; older notation c.2179_2182delCAAA).
Protein change: p.Gln727fs; shifts the reading frame from glutamine 727.
Molecular consequence: frameshift variant.
Genome position (GRCh38, 1-based): chr8:86,576,052-86,576,055, TTTG deleted on the plus strand (CAAA on the coding strand, the reverse complement: CNGB3 is on the minus strand); deleting any 4 consecutive bases within chr8:86,576,052-86,576,058 gives the same sequence; the c. name uses the placement nearest the transcript's 3' end. VCF-style (leftmost placement, unchanged base first): chr8-86576051-TTTTG-T. GRCh37 (hg19) VCF-style: chr8-87588279-TTTTG-T.
Other names: short protein forms Q727fs.
Identifiers: ClinVar variation 1070133 (VCV001070133.9), dbSNP rs1821654702, ClinGen allele CA1116229575.

ClinVar aggregate classification (germline): Pathogenic/Likely pathogenic. Review status: criteria provided, multiple submitters, no conflicts (2 of 4 stars). 2 submissions from 2 submitters: Pathogenic (1); Likely pathogenic (1). Last evaluated 2024-03-28.

Conditions:
Achromatopsia 3 (ACHM3). Also called: ACHROMATOPSIA WITH MYOPIA; PINGELAPESE BLINDNESS; TOTAL COLORBLINDNESS WITH MYOPIA; ROD MONOCHROMACY 1; ROD MONOCHROMATISM 1. Identifiers: Orphanet 49382, MedGen C1849792, MONDO:0009875, OMIM 262300.

Submissions (2):

Fulgent Genetics
Classification: Likely pathogenic for Achromatopsia 3. Last evaluated: 2024-03-28. Review status: criteria provided, single submitter. Criteria: ACMG Guidelines, 2015. Collection method: clinical testing. Allele origin: germline.

Labcorp Genetics (formerly Invitae), Labcorp
Classification: Pathogenic. Last evaluated: 2022-03-18. Review status: criteria provided, single submitter. Criteria: Invitae Variant Classification Sherloc (09022015). Collection method: clinical testing. Allele origin: germline.
Comment: This sequence change results in a frameshift in the CNGB3 gene (p.Gln727Lysfs*101). While this is not anticipated to result in nonsense mediated decay, it is expected to disrupt the last 83 amino acid(s) of the CNGB3 protein and extend the protein by 17 additional amino acid residues. This variant is not present in population databases (gnomAD no frequency). This frameshift has been observed in individual(s) with achromatopsia (Invitae). ClinVar contains an entry for this variant (Variation ID: 1070133). This variant results in an extension of the CNGB3 protein. Other variant(s) that result in a similarly extended protein product (p.Glu729Metfs*99) have been determined to be pathogenic (Invitae). This suggests that these extensions are likely to be disease-causing. For these reasons, this variant has been classified as Pathogenic.